The following is an entry in ClinVar:

ClinVar aggregate classification (germline): Uncertain significance (0 of 4 stars; one submission).

Allele frequency attached by ClinVar (database versions not stated): gnomAD exomes 0.00005 and 0.00011; ExAC 0.00015; gnomAD 0.00027 and 0.00031; TOPMed 0.00034; ESP Exome Variant Server 0.00038.
gnomAD v4.1: 110 of 1,613,828 alleles (0.0068%); highest among the groups gnomAD compares: African/African-American, 0.1%; 1 homozygote.

Submission:

Department of Pathology and Laboratory Medicine, Sinai Health System
Classification: Uncertain significance. Review status: no assertion criteria provided. Collection method: clinical testing. Allele origin: unknown. Affected: yes. Study: The Canadian Open Genetics Repository (COGR).
Comment: The IGF2R p.Ser1251Ser variant was not identified in the literature nor was it identified in ClinVar, Cosmic or LOVD 3.0. The variant was identified in dbSNP (ID: rs147617407) and in control databases in 32 of 282854 chromosomes at a frequency of 0.000113 (Genome Aggregation Database Feb 27, 2017). The variant was observed in the following populations: African in 24 of 24964 chromosomes (freq: 0.000961), East Asian in 1 of 19954 chromosomes (freq: 0.00005), European (non-Finnish) in 6 of 129172 chromosomes (freq: 0.000046) and South Asian in 1 of 30616 chromosomes (freq: 0.000033); it was not observed in the Latino, Ashkenazi Jewish, European (Finnish) or Other populations. The p.Ser1251Ser variant is not expected to have clinical significance because it does not result in a change of amino acid and is not located in a known consensus splice site. The variant occurs outside of the splicing consensus sequence and 2 of 4 in silico or computational prediction software programs (SpliceSiteFinder, MaxEntScan) predict a greater than 10% difference in splicing; this is not very predictive of pathogenicity. In summary, based on the above information the clinical significance of this variant cannot be determined with certainty at this time. This variant is classified as a variant of uncertain significance.

NM_000876.4(IGF2R):c.3753C>T (p.Ser1251=)

Gene: IGF2R (insulin like growth factor 2 receptor; plus strand). Cytogenetic location: 6q25.3.
Variant type: single nucleotide variant.
Coding change: c.3753C>T on transcript NM_000876.4 (MANE Select); coding-DNA position 3753, C replaced by T.
Protein change: p.Ser1251=; no amino-acid change (serine 1251 retained).
Molecular consequence: synonymous variant.
Genome position (GRCh38, 1-based): chr6:160,063,497, C>T. VCF-style: chr6-160063497-C-T. GRCh37 (hg19) VCF-style: chr6-160484529-C-T.
Identifiers: ClinVar variation 1050219 (VCV001050219.1), dbSNP rs147617407, ClinGen allele CA4082381.
Genomic context (GRCh38, chr6:160,063,497, plus strand): 5'-CCCAAGGCATGGCAACTTGTATGACCTGAAGCCCCTGGGCCTCAACGACACCATCGTGAG[C>T]GCTGGCGAATACACTTATTACTTCCGGGTCTGTGGGAAGCTTTCCTCAGACGTCTGCCCC-3'
Protein context (NP_000867.3, residues 1241-1261): KPLGLNDTIV[Ser1251=]AGEYTYYFRV